The following is an entry in ClinVar:

NM_001370348.2(PHF3):c.5038A>G (p.Met1680Val)

Gene: PHF3 (PHD finger protein 3; plus strand). Cytogenetic location: 6q12.
Variant type: single nucleotide variant.
Coding change: c.5038A>G on transcript NM_001370348.2 (MANE Select); coding-DNA position 5038, A replaced by G.
Protein change: p.Met1680Val; replaces methionine 1680 with valine.
Molecular consequence: missense variant.
Genome position (GRCh38, 1-based): chr6:63,712,626, A>G. VCF-style: chr6-63712626-A-G. GRCh37 (hg19) VCF-style: chr6-64422522-A-G.
Other names: c.4774A>G, p.Met1592Val (NM_001290259.2, NM_001370349.2); c.2845A>G, p.Met949Val (NM_001370350.2); c.5038A>G, p.Met1680Val (NM_015153.4); short protein forms M1592V, M1680V, M949V.
Identifiers: ClinVar variation 3344760 (VCV003344760.1).
Genomic context (GRCh38, chr6:63,712,626, plus strand): 5'-CAGCCTGTAACTACTTCAGAAAGCAAAGATGGAGATAGTTGCCGGAATGGAGAAAAACAC[A>G]TGCTGCCTGGCCTGTCACACAACAAGGAGCACTTAACAGAACAAATCAATGTAGAGGAAA-3'
Protein context (NP_001357277.1, residues 1670-1690): GDSCRNGEKH[Met1680Val]LPGLSHNKEH

ClinVar aggregate classification (germline): Uncertain significance (0 of 4 stars; one submission).

Conditions:
PHF3-related disorder. Also called: PHF3-related condition.

Submission:

PreventionGenetics, part of Exact Sciences
Classification: Uncertain significance for PHF3-related condition. Last evaluated: 2024-08-17. Review status: no assertion criteria provided. Collection method: clinical testing. Allele origin: germline.
Comment: The PHF3 c.5038A>G variant is predicted to result in the amino acid substitution p.Met1680Val. To our knowledge, this variant has not been reported in the literature or in a large population database, indicating this variant is rare. At this time, the clinical significance of this variant is uncertain due to the absence of conclusive functional and genetic evidence.